The following is an entry in ClinVar:

NM_024426.6(WT1):c.439C>G (p.Gln147Glu)

Genes: WT1 (WT1 transcription factor; minus strand), LOC107982234 (WT1/WT1-AS bi-directional promoter region; plus strand). Cytogenetic location: 11p13.
Variant type: single nucleotide variant.
Coding change: c.439C>G on transcript NM_024426.6 (MANE Select); coding-DNA position 439, C replaced by G.
Protein change: p.Gln147Glu; replaces glutamine 147 with glutamic acid.
Molecular consequence: missense variant. On other transcripts: non-coding transcript variant (1).
Genome position (GRCh38, 1-based): chr11:32,434,922, G>C on the plus strand (C>G on the coding strand, the complement: WT1 is on the minus strand). VCF-style: chr11-32434922-G-C. GRCh37 (hg19) VCF-style: chr11-32456468-G-C.
Other names: c.439C>G, p.Gln147Glu (NM_000378.6, NM_024424.5); short protein forms Q147E.
Identifiers: ClinVar variation 406695 (VCV000406695.13), dbSNP rs953087575, ClinGen allele CA16613373.

ClinVar aggregate classification (germline): Uncertain significance. Review status: criteria provided, multiple submitters, no conflicts (2 of 4 stars). 8 submissions from 8 submitters: Uncertain significance (8). Last evaluated 2024-11-21.

Conditions:
Inborn genetic diseases. Identifiers: MedGen C0950123, MeSH D030342.
Frasier syndrome. Identifiers: Orphanet 347, MedGen C0950122, MeSH D052159, MONDO:0007635, OMIM 136680.
Wilms tumor 1 (WT1). Also called: Wilms tumor, somatic. Identifiers: Orphanet 654, MedGen CN033288, MONDO:0008679, OMIM 194070.
11p partial monosomy syndrome (WAGR). Also called: CHROMOSOME 11p13 DELETION SYNDROME; WAGR Spectrum Disorder; WAGR syndrome; WAGR Complex. Identifiers: Orphanet 893, MedGen C0206115, MONDO:0008681, OMIM 194072.
Drash syndrome (DDS). Also called: NEPHROPATHY, WILMS TUMOR, AND GENITAL ANOMALIES; WILMS TUMOR AND PSEUDO- OR TRUE HERMAPHRODITISM. Identifiers: Orphanet 220, MedGen C0950121, MONDO:0008682, OMIM 194080.
Mesothelioma, malignant (MESOM). Also called: Malignant mesothelioma (disease). Identifiers: Orphanet 50251, MedGen C0345967, MONDO:0006292, OMIM 156240, HP:0100001.
Meacham syndrome. Also called: Meacham Winn Culler syndrome. Identifiers: Orphanet 3097, MedGen C1837026, MONDO:0012164, OMIM 608978.
Aniridia 1 (AN1). Identifiers: Orphanet 250923, MedGen C0344542, MONDO:0024507, OMIM 106210.
Nephrotic syndrome, type 4 (NPHS4). Also called: Familial mesangial sclerosis; Nephrotic syndrome, early onset with diffuse mesangial sclerosis. Identifiers: Orphanet 656, MedGen C3151568, MONDO:0009733, OMIM 256370.
Hereditary cancer-predisposing syndrome. Also called: Neoplastic Syndromes, Hereditary; Tumor predisposition; Hereditary Cancer Syndrome; Hereditary neoplastic syndrome. Identifiers: Orphanet 140162, MedGen C0027672, MeSH D009386, MONDO:0015356.

Allele frequency attached by ClinVar (database versions not stated): gnomAD exomes 0.00001.
gnomAD v4.1: 10 of 1,606,290 alleles (0.00062%); highest among the groups gnomAD compares: Middle Eastern, 0.14%; no homozygotes.

Submissions (8):

Ambry Genetics
Classification: Uncertain significance for Inborn genetic diseases. Last evaluated: 2024-11-21. Review status: criteria provided, single submitter. Criteria: Ambry Variant Classification Scheme 2023. Collection method: clinical testing. Allele origin: germline.
Comment: The p.Q142E variant (also known as c.424C>G), located in coding exon 1 of the WT1 gene, results from a C to G substitution at nucleotide position 424. The glutamine at codon 142 is replaced by glutamic acid, an amino acid with highly similar properties. This amino acid position is conserved. In addition, the in silico prediction for this alteration is inconclusive. Based on the available evidence, the clinical significance of this variant remains unclear.

Baylor Genetics
Classification: Uncertain significance for Drash syndrome. Last evaluated: 2024-03-21. Review status: criteria provided, single submitter. Criteria: ACMG Guidelines, 2015. Collection method: clinical testing. Allele origin: unknown.

All of Us Research Program, National Institutes of Health
Classification: Uncertain significance for Wilms tumor 1. Last evaluated: 2023-10-30. Review status: criteria provided, single submitter. Criteria: ACMG Guidelines, 2015. Collection method: clinical testing. Allele origin: germline. Inheritance: Autosomal dominant inheritance. Observed: 3 variant alleles, 3 heterozygotes.
Comment: This variant replaces glutamine with glutamic acid at codon 142 in the WT1 protein. Computational prediction is inconclusive regarding the impact of this variant on protein structure and function (internally defined REVEL score threshold 0.5 < inconclusive < 0.7, PMID: 27666373). To our knowledge, functional studies have not been reported for this variant. This variant has not been reported in individuals affected with WT1-related disorders in the literature. This variant has been identified in 3/224814 chromosomes in the general population by the Genome Aggregation Database (gnomAD). The available evidence is insufficient to determine the role of this variant in disease conclusively. Therefore, this variant is classified as a Variant of Uncertain Significance.

This study involves interpretation of variants in research participants for the purpose of population health screening. Participant phenotype was not available at the time of variant classification. Additional details can be found in publication PMID: 35346344, PMCID: PMC8962531

Labcorp Genetics (formerly Invitae), Labcorp
Classification: Uncertain significance for Wilms tumor 1; Drash syndrome; 11p partial monosomy syndrome; Frasier syndrome. Last evaluated: 2023-09-10. Review status: criteria provided, single submitter. Criteria: Invitae Variant Classification Sherloc (09022015). Collection method: clinical testing. Allele origin: germline.
Comment: This sequence change replaces glutamine, which is neutral and polar, with glutamic acid, which is acidic and polar, at codon 142 of the WT1 protein (p.Gln142Glu). This variant is present in population databases (no rsID available, gnomAD 0.001%). This variant has not been reported in the literature in individuals affected with WT1-related conditions. ClinVar contains an entry for this variant (Variation ID: 406695). Advanced modeling of protein sequence and biophysical properties (such as structural, functional, and spatial information, amino acid conservation, physicochemical variation, residue mobility, and thermodynamic stability) has been performed at Invitae for this missense variant, however the output from this modeling did not meet the statistical confidence thresholds required to predict the impact of this variant on WT1 protein function. In summary, the available evidence is currently insufficient to determine the role of this variant in disease. Therefore, it has been classified as a Variant of Uncertain Significance.

Blueprint Genetics
Classification: Uncertain significance. Last evaluated: 2023-05-26. Review status: criteria provided, single submitter. Criteria: ACMG Guidelines, 2015. Collection method: clinical testing. Allele origin: germline.

Sema4
Classification: Uncertain significance for Hereditary cancer-predisposing syndrome. Last evaluated: 2022-03-16. Review status: criteria provided, single submitter. Criteria: Sema4 Curation Guidelines. Collection method: curation. Allele origin: germline.
Comment: The WT1 c.424C>G (p.Q142E) variant in transcript NM_024426.3, also known as c.439C>G (p.Q147E) in transcript NM_024426.5, has not been reported in the literature to our knowledge. This variant was observed in 3/224814 chromosomes across the different populations included in the Genome Aggregation Database (PMID: 32461654), and has been reported in ClinVar (Variation ID: 406695). Functional studies have not been performed, and in silico predictions of the variant's effect on protein function are inconclusive. The evidence is insufficient to meet ACMG/AMP criteria for classifying the variant as benign or pathogenic. Thus, the clinical significance of this variant is currently uncertain.

Fulgent Genetics
Classification: Uncertain significance for Aniridia 1; Frasier syndrome; Mesothelioma, malignant; Wilms tumor 1; 11p partial monosomy syndrome; Drash syndrome; Nephrotic syndrome, type 4; Meacham syndrome. Last evaluated: 2021-11-05. Review status: criteria provided, single submitter. Criteria: ACMG Guidelines, 2015. Collection method: clinical testing. Allele origin: unknown.

Breakthrough Genomics
Classification: Uncertain significance. Review status: criteria provided, single submitter. Criteria: ACMG Guidelines, 2015. Collection method: not provided. Allele origin: germline. Inheritance: Autosomal dominant inheritance. Affected: yes.